The following is an entry in ClinVar:

NM_001080467.3(MYO5B):c.1072C>G (p.Leu358Val)

Gene: MYO5B (myosin VB; minus strand). Cytogenetic location: 18q21.1.
Variant type: single nucleotide variant.
Coding change: c.1072C>G on transcript NM_001080467.3 (MANE Select); coding-DNA position 1072, C replaced by G.
Protein change: p.Leu358Val; replaces leucine 358 with valine.
Molecular consequence: missense variant.
Genome position (GRCh38, 1-based): chr18:49,974,600, G>C on the plus strand (C>G on the coding strand, the complement: MYO5B is on the minus strand). VCF-style: chr18-49974600-G-C. GRCh37 (hg19) VCF-style: chr18-47500970-G-C.
Other names: short protein forms L358V.
Identifiers: ClinVar variation 4694363 (VCV004694363.1).

ClinVar aggregate classification (germline): Uncertain significance (1 of 4 stars; one submission).

gnomAD v4.1: 9 of 1,613,802 alleles (0.00056%); highest among the groups gnomAD compares: African/African-American, 0.012%; no homozygotes.

Submission:

Labcorp Genetics (formerly Invitae), Labcorp
Classification: Uncertain significance. Last evaluated: 2025-07-01. Review status: criteria provided, single submitter. Criteria: Invitae Variant Classification Sherloc (09022015). Collection method: clinical testing. Allele origin: germline.
Comment: This sequence change replaces leucine, which is neutral and non-polar, with valine, which is neutral and non-polar, at codon 358 of the MYO5B protein (p.Leu358Val). This variant is present in population databases (rs748735483, gnomAD 0.02%). This variant has not been reported in the literature in individuals affected with MYO5B-related conditions. Invitae Evidence Modeling of protein sequence and biophysical properties (such as structural, functional, and spatial information, amino acid conservation, physicochemical variation, residue mobility, and thermodynamic stability) indicates that this missense variant is not expected to disrupt MYO5B protein function with a negative predictive value of 80%. In summary, the available evidence is currently insufficient to determine the role of this variant in disease. Therefore, it has been classified as a Variant of Uncertain Significance.